The following is an entry in ClinVar:

NM_024408.4(NOTCH2):c.3805C>A (p.Leu1269Ile)

Gene: NOTCH2 (notch receptor 2; minus strand). Cytogenetic location: 1p12.
Variant type: single nucleotide variant.
Coding change: c.3805C>A on transcript NM_024408.4 (MANE Select); coding-DNA position 3805, C replaced by A.
Protein change: p.Leu1269Ile; replaces leucine 1269 with isoleucine.
Molecular consequence: missense variant.
Genome position (GRCh38, 1-based): chr1:119,929,063, G>T on the plus strand (C>A on the coding strand, the complement: NOTCH2 is on the minus strand). VCF-style: chr1-119929063-G-T. GRCh37 (hg19) VCF-style: chr1-120471686-G-T.
Other names: short protein forms L1269I.
Identifiers: ClinVar variation 3348608 (VCV003348608.1).

ClinVar aggregate classification (germline): Uncertain significance (0 of 4 stars; one submission).

Conditions:
NOTCH2-related disorder. Also called: NOTCH2-related condition.

Submission:

PreventionGenetics, part of Exact Sciences
Classification: Uncertain significance for NOTCH2-related condition. Last evaluated: 2024-03-08. Review status: no assertion criteria provided. Collection method: clinical testing. Allele origin: germline.
Comment: The NOTCH2 c.3805C>A variant is predicted to result in the amino acid substitution p.Leu1269Ile. To our knowledge, this variant has not been reported in the literature or in a large population database, indicating this variant is rare. At this time, the clinical significance of this variant is uncertain due to the absence of conclusive functional and genetic evidence.